The following is an entry in ClinVar:

ClinVar aggregate classification (germline): Uncertain significance (1 of 4 stars; one submission).

Allele frequency attached by ClinVar (database versions not stated): gnomAD exomes below 0.00001.
gnomAD v4.1: 2 of 1,571,642 alleles (0.00013%); highest among the groups gnomAD compares: Non-Finnish European, 0.00017%; no homozygotes.

Submission:

Labcorp Genetics (formerly Invitae), Labcorp
Classification: Uncertain significance. Last evaluated: 2021-04-28. Review status: criteria provided, single submitter. Criteria: Invitae Variant Classification Sherloc (09022015). Collection method: clinical testing. Allele origin: germline.
Comment: In summary, the available evidence is currently insufficient to determine the role of this variant in disease. Therefore, it has been classified as a Variant of Uncertain Significance. Algorithms developed to predict the effect of missense changes on protein structure and function output the following: SIFT: "Tolerated"; PolyPhen-2: "Benign"; Align-GVGD: "Class C0". The serine amino acid residue is found in multiple mammalian species, suggesting that this missense change does not adversely affect protein function. These predictions have not been confirmed by published functional studies and their clinical significance is uncertain. This variant has not been reported in the literature in individuals with RUSC2-related conditions. This variant is not present in population databases (ExAC no frequency). This sequence change replaces proline with serine at codon 48 of the RUSC2 protein (p.Pro48Ser). The proline residue is moderately conserved and there is a moderate physicochemical difference between proline and serine.

NM_014806.5(RUSC2):c.142C>T (p.Pro48Ser)

Gene: RUSC2 (RUN and SH3 domain containing 2; plus strand). Cytogenetic location: 9p13.3.
Variant type: single nucleotide variant.
Coding change: c.142C>T on transcript NM_014806.5 (MANE Select); coding-DNA position 142, C replaced by T.
Protein change: p.Pro48Ser; replaces proline 48 with serine.
Molecular consequence: missense variant. On other transcripts: non-coding transcript variant (1), intron variant (1).
Genome position (GRCh38, 1-based): chr9:35,546,663, C>T. VCF-style: chr9-35546663-C-T. GRCh37 (hg19) VCF-style: chr9-35546660-C-T.
Other names: c.142C>T, p.Pro48Ser (NM_001135999.2); c.-620-8397C>T (NM_001330740.2); short protein forms P48S.
Identifiers: ClinVar variation 1442821 (VCV001442821.8), dbSNP rs2132550904, ClinGen allele CA373325943.